The following is an entry in ClinVar:

NM_000085.5(CLCNKB):c.169G>T (p.Gly57Trp)

Genes: CLCNKB (chloride voltage-gated channel Kb; plus strand), LOC106501713 (CLCNKB recombination region; plus strand). Cytogenetic location: 1p36.13.
Variant type: single nucleotide variant.
Coding change: c.169G>T on transcript NM_000085.5 (MANE Select); coding-DNA position 169, G replaced by T.
Protein change: p.Gly57Trp; replaces glycine 57 with tryptophan.
Molecular consequence: missense variant.
Genome position (GRCh38, 1-based): chr1:16,045,626, G>T. VCF-style: chr1-16045626-G-T. GRCh37 (hg19) VCF-style: chr1-16372121-G-T.
Other names: short protein forms G57W.
Identifiers: ClinVar variation 3393556 (VCV003393556.1).

ClinVar aggregate classification (germline): Uncertain significance (1 of 4 stars; one submission).

Submission:

GeneDx
Classification: Uncertain significance. Last evaluated: 2024-07-03. Review status: criteria provided, single submitter. Criteria: GeneDx Variant Classification Process June 2021. Collection method: clinical testing. Allele origin: germline. Affected: yes.
Comment: Not observed at significant frequency in large population cohorts (gnomAD); In silico analysis supports that this missense variant has a deleterious effect on protein structure/function; Has not been previously published as pathogenic or benign to our knowledge